The following is an entry in ClinVar:

ClinVar aggregate classification (germline): Uncertain significance (1 of 4 stars; one submission).

Conditions:
RASopathy. Also called: Noonan spectrum disorder; rasopathies. Identifiers: Orphanet 536391, MedGen C5555857, MONDO:0021060.

Submission:

Labcorp Genetics (formerly Invitae), Labcorp
Classification: Uncertain significance for RASopathy. Last evaluated: 2023-10-20. Review status: criteria provided, single submitter. Criteria: Invitae Variant Classification Sherloc (09022015). Collection method: clinical testing. Allele origin: germline.
Comment: This sequence change replaces leucine, which is neutral and non-polar, with valine, which is neutral and non-polar, at codon 352 of the MAP2K1 protein (p.Leu352Val). This variant is not present in population databases (gnomAD no frequency). This variant has not been reported in the literature in individuals affected with MAP2K1-related conditions. Advanced modeling of protein sequence and biophysical properties (such as structural, functional, and spatial information, amino acid conservation, physicochemical variation, residue mobility, and thermodynamic stability) performed at Invitae indicates that this missense variant is not expected to disrupt MAP2K1 protein function. In summary, the available evidence is currently insufficient to determine the role of this variant in disease. Therefore, it has been classified as a Variant of Uncertain Significance.

NM_002755.4(MAP2K1):c.1054T>G (p.Leu352Val)

Genes: MAP2K1 (mitogen-activated protein kinase kinase 1; plus strand), SNAPC5 (small nuclear RNA activating complex polypeptide 5; minus strand). Cytogenetic location: 15q22.31.
Variant type: single nucleotide variant.
Coding change: c.1054T>G on transcript NM_002755.4 (MANE Select); coding-DNA position 1054, T replaced by G.
Protein change: p.Leu352Val; replaces leucine 352 with valine.
Molecular consequence: missense variant. On other transcripts: 3 prime UTR variant (1), non-coding transcript variant (1).
Genome position (GRCh38, 1-based): chr15:66,489,749, T>G. VCF-style: chr15-66489749-T-G. GRCh37 (hg19) VCF-style: chr15-66782087-T-G.
Other names: c.*990A>C (NM_006049.4); c.910T>G, p.Leu304Val (NM_001411065.1); short protein forms L304V, L352V.
Identifiers: ClinVar variation 2770394 (VCV002770394.3), dbSNP rs2545107845, ClinGen allele CA392938568.
Genomic context (GRCh38, chr15:66,489,749, plus strand): 5'-AGCTCTTACCTTGTCTTTCTTCCTTTAAGCTTAATAAAAAACCCCGCAGAGAGAGCAGAT[T>G]TGAAGCAACTCATGGTGAGTCTATTTATTCCGGATTCTTACAGTACCTGTTTATTCATTT-3'
Protein context (NP_002746.1, residues 342-362): LIKNPAERAD[Leu352Val]KQLMVHAFIK